The following is an entry in ClinVar:

NM_206933.4(USH2A):c.14167A>C (p.Ser4723Arg)

Gene: USH2A (usherin; minus strand). Cytogenetic location: 1q41.
Variant type: single nucleotide variant.
Coding change: c.14167A>C on transcript NM_206933.4 (MANE Select); coding-DNA position 14167, A replaced by C.
Protein change: p.Ser4723Arg; replaces serine 4723 with arginine.
Molecular consequence: missense variant.
Genome position (GRCh38, 1-based): chr1:215,650,768, T>G on the plus strand (A>C on the coding strand, the complement: USH2A is on the minus strand). VCF-style: chr1-215650768-T-G. GRCh37 (hg19) VCF-style: chr1-215824110-T-G.
Other names: short protein forms S4723R.
Identifiers: ClinVar variation 3344719 (VCV003344719.1).
Genomic context (GRCh38, chr1:215,650,768, plus strand): 5'-ACGTGGGGGCTCTGAGACCTTCTGGTGGGGCTGGCCCGGTTCTGCACCATGTCCAGCTAC[T>G]GGGGGCTTTTCCTGCAGAATTCACTGCCCAGACCTCCAAAGAGAAATCAACAAGACTGTC-3'
Protein context (NP_996816.3, residues 4713-4733): WAVNSAGKAP[Ser4723Arg]SWTWCRTGPA

ClinVar aggregate classification (germline): Uncertain significance (0 of 4 stars; one submission).

Conditions:
USH2A-related disorder. Also called: USH2A-related condition; USH2A-related disorders. Identifiers: MedGen CN239332.

Submission:

PreventionGenetics, part of Exact Sciences
Classification: Uncertain significance for USH2A-related condition. Last evaluated: 2024-07-29. Review status: no assertion criteria provided. Collection method: clinical testing. Allele origin: germline.
Comment: The USH2A c.14167A>C variant is predicted to result in the amino acid substitution p.Ser4723Arg. To our knowledge, this variant has not been reported in the literature or in a large population database, indicating this variant is rare. At this time, the clinical significance of this variant is uncertain due to the absence of conclusive functional and genetic evidence.